The following is an entry in ClinVar:

ClinVar aggregate classification (germline): Conflicting classifications of pathogenicity. Review status: criteria provided, conflicting classifications (1 of 4 stars). 7 submissions from 6 submitters: Uncertain significance (5); Likely benign (1). 1 of the submissions does not count toward it. Last evaluated 2024-10-17.

Conditions:
Retinitis pigmentosa (RP). Identifiers: Orphanet 791, MedGen C0035334, MeSH D012174, MONDO:0019200, OMIM 268000. Inheritance: Autosomal dominant, autosomal recessive and X linked inheritance.
Leber congenital amaurosis 14 (LCA14). Identifiers: MedGen C2750063, MONDO:0013231, OMIM 613341.
Retinal dystrophy. Also called: Inherited retinal dystrophy. Identifiers: Orphanet 71862, MedGen C0854723, MeSH D058499, MONDO:0019118, HP:0000556.

Allele frequency attached by ClinVar (database versions not stated): gnomAD exomes 0.00094 and 0.00083; ESP Exome Variant Server 0.00100; ExAC 0.00114; 1000 Genomes Project 30x 0.00031; 1000 Genomes Project 0.00040; gnomAD 0.00060 and 0.00061; TOPMed 0.00068.
gnomAD v4.1: 1,463 of 1,614,212 alleles (0.091%); highest among the groups gnomAD compares: Non-Finnish European, 0.11%; no homozygotes.

Submissions (7):

Blueprint Genetics
Classification: Likely benign. Last evaluated: 2024-10-17. Review status: criteria provided, single submitter. Criteria: ACMG Guidelines, 2015. Collection method: clinical testing. Allele origin: germline.

Labcorp Genetics (formerly Invitae), Labcorp
Classification: Uncertain significance. Last evaluated: 2022-09-13. Review status: criteria provided, single submitter. Criteria: Invitae Variant Classification Sherloc (09022015). Collection method: clinical testing. Allele origin: germline.
Comment: This sequence change replaces alanine, which is neutral and non-polar, with serine, which is neutral and polar, at codon 135 of the LRAT protein (p.Ala135Ser). This variant is present in population databases (rs139819099, gnomAD 0.1%), and has an allele count higher than expected for a pathogenic variant. This variant has not been reported in the literature in individuals affected with LRAT-related conditions. ClinVar contains an entry for this variant (Variation ID: 347851). Algorithms developed to predict the effect of missense changes on protein structure and function output the following: SIFT: "Tolerated"; PolyPhen-2: "Benign"; Align-GVGD: "Class C0". The serine amino acid residue is found in multiple mammalian species, which suggests that this missense change does not adversely affect protein function. In summary, the available evidence is currently insufficient to determine the role of this variant in disease. Therefore, it has been classified as a Variant of Uncertain Significance.

Eurofins Ntd Llc (ga)
Classification: Uncertain significance. Last evaluated: 2018-03-27. Review status: criteria provided, single submitter. Criteria: EGL ClinVar v180209 classification definitions. Collection method: clinical testing. Allele origin: germline. Observed: 1 variant allele, 1 heterozygote.

Illumina Laboratory Services, Illumina
Classification: Uncertain significance for Leber congenital amaurosis 14. Last evaluated: 2018-01-12. Review status: criteria provided, single submitter. Criteria: ICSL Variant Classification Criteria 13 December 2019. Collection method: clinical testing. Allele origin: germline.

Illumina Laboratory Services, Illumina
Classification: Uncertain significance for Retinitis pigmentosa. Last evaluated: 2018-01-12. Review status: criteria provided, single submitter. Criteria: ICSL Variant Classification Criteria 13 December 2019. Collection method: clinical testing. Allele origin: germline.

Breakthrough Genomics
Classification: Uncertain significance. Review status: criteria provided, single submitter. Criteria: ACMG Guidelines, 2015. Collection method: not provided. Allele origin: germline. Inheritance: Autosomal recessive inheritance. Affected: yes.

Institute of Human Genetics, Univ. Regensburg, Univ. Regensburg
Classification: Uncertain significance for Retinal dystrophy. Last evaluated: 2022-01-01. Review status: no assertion criteria provided. Criteria: ACMG Guidelines, 2015. Collection method: clinical testing. Allele origin: germline. Affected: yes. Not counted in ClinVar's aggregate classification.

NM_004744.5(LRAT):c.403G>T (p.Ala135Ser)

Gene: LRAT (lecithin retinol acyltransferase; plus strand). Cytogenetic location: 4q32.1.
Variant type: single nucleotide variant.
Coding change: c.403G>T on transcript NM_004744.5 (MANE Select); coding-DNA position 403, G replaced by T.
Protein change: p.Ala135Ser; replaces alanine 135 with serine.
Molecular consequence: missense variant.
Genome position (GRCh38, 1-based): chr4:154,744,729, G>T. VCF-style: chr4-154744729-G-T. GRCh37 (hg19) VCF-style: chr4-155665881-G-T.
Other names: c.403G>T, p.Ala135Ser (NM_001301645.2); short protein forms A135S.
Identifiers: ClinVar variation 347851 (VCV000347851.17), dbSNP rs139819099, ClinGen allele CA3115865.